The following is an entry in ClinVar:

NM_201253.3(CRB1):c.817C>T (p.His273Tyr)

Gene: CRB1 (crumbs cell polarity complex component 1; plus strand). Cytogenetic location: 1q31.3.
Variant type: single nucleotide variant.
Coding change: c.817C>T on transcript NM_201253.3 (MANE Select); coding-DNA position 817, C replaced by T.
Protein change: p.His273Tyr; replaces histidine 273 with tyrosine.
Molecular consequence: missense variant. On other transcripts: non-coding transcript variant (2), intron variant (1).
Genome position (GRCh38, 1-based): chr1:197,344,445, C>T. VCF-style: chr1-197344445-C-T. GRCh37 (hg19) VCF-style: chr1-197313575-C-T.
Other names: c.610C>T, p.His204Tyr (NM_001257965.2); c.817C>T, p.His273Tyr (NM_001257966.2); c.653-12386C>T (NM_001193640.2); short protein forms H204Y, H273Y.
Identifiers: ClinVar variation 2054340 (VCV002054340.4), dbSNP rs1324068019, ClinGen allele CA344083487.

ClinVar aggregate classification (germline): Uncertain significance (1 of 4 stars; one submission).

Conditions:
Leber congenital amaurosis 8 (LCA8). Identifiers: Orphanet 65, MedGen C3151202, MONDO:0013453, OMIM 613835.
Retinitis pigmentosa 12 (RP12). Also called: RP WITH OR WITHOUT PPRPE; RP WITH OR WITHOUT PRESERVED PARAARTERIOLE RETINAL PIGMENT EPITHELIUM; RETINITIS PIGMENTOSA WITH OR WITHOUT PARAARTERIOLAR PRESERVATION OF RETINAL PIGMENT EPITHELIUM. Identifiers: Orphanet 791, MedGen C1838647, MONDO:0010818, OMIM 600105.

Allele frequency attached by ClinVar (database versions not stated): gnomAD exomes below 0.00001.
gnomAD v4.1: 1 of 1,614,046 alleles (0.000062%); highest among the groups gnomAD compares: Admixed American, 0.0017%; no homozygotes.

Submission:

Labcorp Genetics (formerly Invitae), Labcorp
Classification: Uncertain significance for Leber congenital amaurosis 8; Retinitis pigmentosa 12. Last evaluated: 2022-03-26. Review status: criteria provided, single submitter. Criteria: Invitae Variant Classification Sherloc (09022015). Collection method: clinical testing. Allele origin: germline.
Comment: In summary, the available evidence is currently insufficient to determine the role of this variant in disease. Therefore, it has been classified as a Variant of Uncertain Significance. Algorithms developed to predict the effect of missense changes on protein structure and function (SIFT, PolyPhen-2, Align-GVGD) all suggest that this variant is likely to be disruptive. This variant has not been reported in the literature in individuals affected with CRB1-related conditions. This variant is present in population databases (no rsID available, gnomAD 0.003%). This sequence change replaces histidine, which is basic and polar, with tyrosine, which is neutral and polar, at codon 273 of the CRB1 protein (p.His273Tyr).